The following is an entry in ClinVar:

NM_001080517.3(SETD5):c.1783G>A (p.Asp595Asn)

Gene: SETD5 (SET domain containing 5; plus strand). Cytogenetic location: 3p25.3.
Variant type: single nucleotide variant.
Coding change: c.1783G>A on transcript NM_001080517.3 (MANE Select); coding-DNA position 1783, G replaced by A.
Protein change: p.Asp595Asn; replaces aspartic acid 595 with asparagine.
Molecular consequence: missense variant.
Genome position (GRCh38, 1-based): chr3:9,447,686, G>A. VCF-style: chr3-9447686-G-A. GRCh37 (hg19) VCF-style: chr3-9489370-G-A.
Other names: c.1489G>A, p.Asp497Asn (NM_001292043.2, NM_001349451.2); short protein forms D595N, D497N.
Identifiers: ClinVar variation 2700527 (VCV002700527.3), dbSNP rs2472963782, ClinGen allele CA351696726.
Genomic context (GRCh38, chr3:9,447,686, plus strand): 5'-AATTAGACTGTTTGCTGATAAAACATTTCTGGTAAGCATCTGACCCTACTATTGCTACAG[G>A]ATATTGCTGCAGAAAAACTAGTCCCCAAGCCACCTCCAGCAAAGCCTTCTAGGCCCCGGC-3'
Protein context (NP_001073986.1, residues 585-605): VNTRRSSQAG[Asp595Asn]IAAEKLVPKP

ClinVar aggregate classification (germline): Uncertain significance (1 of 4 stars; one submission).

Submission:

Labcorp Genetics (formerly Invitae), Labcorp
Classification: Uncertain significance. Last evaluated: 2024-02-05. Review status: criteria provided, single submitter. Criteria: Invitae Variant Classification Sherloc (09022015). Collection method: clinical testing. Allele origin: germline.
Comment: This sequence change replaces aspartic acid, which is acidic and polar, with asparagine, which is neutral and polar, at codon 595 of the SETD5 protein (p.Asp595Asn). This variant is not present in population databases (gnomAD no frequency). This variant has not been reported in the literature in individuals affected with SETD5-related conditions. An algorithm developed to predict the effect of missense changes on protein structure and function (PolyPhen-2) suggests that this variant is likely to be disruptive. In summary, the available evidence is currently insufficient to determine the role of this variant in disease. Therefore, it has been classified as a Variant of Uncertain Significance.